The following is an entry in ClinVar:

ClinVar aggregate classification (germline): Uncertain significance (1 of 4 stars; one submission).

Conditions:
Adams-Oliver syndrome 5 (AOS5). Identifiers: Orphanet 974, MedGen C4014970, MONDO:0014459, OMIM 616028.

gnomAD v4.1: 1 of 1,612,860 alleles (0.000062%); highest among the groups gnomAD compares: Non-Finnish European, 0.000085%; no homozygotes.

Submission:

Labcorp Genetics (formerly Invitae), Labcorp
Classification: Uncertain significance for Adams-Oliver syndrome 5. Last evaluated: 2022-06-15. Review status: criteria provided, single submitter. Criteria: Invitae Variant Classification Sherloc (09022015). Collection method: clinical testing. Allele origin: germline.
Comment: In summary, the available evidence is currently insufficient to determine the role of this variant in disease. Therefore, it has been classified as a Variant of Uncertain Significance. Algorithms developed to predict the effect of missense changes on protein structure and function (SIFT, PolyPhen-2, Align-GVGD) all suggest that this variant is likely to be disruptive. This variant has not been reported in the literature in individuals affected with NOTCH1-related conditions. This variant is not present in population databases (gnomAD no frequency). This sequence change replaces asparagine, which is neutral and polar, with lysine, which is basic and polar, at codon 308 of the NOTCH1 protein (p.Asn308Lys).

NM_017617.5(NOTCH1):c.924C>G (p.Asn308Lys)

Gene: NOTCH1 (notch receptor 1; minus strand). Cytogenetic location: 9q34.3.
Variant type: single nucleotide variant.
Coding change: c.924C>G on transcript NM_017617.5 (MANE Select); coding-DNA position 924, C replaced by G.
Protein change: p.Asn308Lys; replaces asparagine 308 with lysine.
Molecular consequence: missense variant.
Genome position (GRCh38, 1-based): chr9:136,518,766, G>C on the plus strand (C>G on the coding strand, the complement: NOTCH1 is on the minus strand). VCF-style: chr9-136518766-G-C. GRCh37 (hg19) VCF-style: chr9-139413218-G-C.
Other names: short protein forms N308K.
Identifiers: ClinVar variation 1973971 (VCV001973971.5), dbSNP rs765208754, ClinGen allele CA375565698.
Genomic context (GRCh38, chr9:136,518,766, plus strand): 5'-AGTCCAGCCGTTGACACACACGCAGTTGTAGCCACCGTGGGTGTTGTGGCAGGTCCCGCC[G>C]TTCTGGCAGGCATTTGGCATCAGCTGGCACTCGTCCACATCCTCGGTACAGTACTGACCT-3'
Protein context (NP_060087.3, residues 298-318): ECQLMPNACQ[Asn308Lys]GGTCHNTHGG